The following is an entry in ClinVar:

ClinVar aggregate classification (germline): Likely benign (1 of 4 stars; one submission).

Submission:

CeGaT Center for Human Genetics Tuebingen
Classification: Likely benign. Last evaluated: 2026-03-01. Review status: criteria provided, single submitter. Criteria: CeGaT Center For Human Genetics Tuebingen Variant Classification Criteria Version 2. Collection method: clinical testing. Allele origin: germline. Affected: yes. Observed: 1 variant allele.
Comment: TRAF7: BP4, BP7

NM_032271.3(TRAF7):c.237C>G (p.Pro79=)

Gene: TRAF7 (TNF receptor associated factor 7; plus strand). Cytogenetic location: 16p13.3.
Variant type: single nucleotide variant.
Coding change: c.237C>G on transcript NM_032271.3 (MANE Select); coding-DNA position 237, C replaced by G.
Protein change: p.Pro79=; no amino-acid change (proline 79 retained).
Molecular consequence: synonymous variant.
Genome position (GRCh38, 1-based): chr16:2,170,619, C>G. VCF-style: chr16-2170619-C-G. GRCh37 (hg19) VCF-style: chr16-2220620-C-G.
Identifiers: ClinVar variation 4822188 (VCV004822188.4).